The following is an entry in ClinVar:

NM_139119.3(YY1AP1):c.-27C>T

Genes: DAP3 (death associated protein 3; plus strand), YY1AP1 (YY1 associated protein 1; minus strand). Cytogenetic location: 1q22.
Variant type: single nucleotide variant.
Coding change: c.-27C>T on transcript NM_139119.3 (MANE Select); 27 bases upstream of the start codon, C replaced by T.
Molecular consequence: 5 prime UTR variant. On other transcripts: nonsense (4), intron variant (3).
Genome position (GRCh38, 1-based): chr1:155,688,077, G>A on the plus strand (C>T on the coding strand, the complement: YY1AP1 is on the minus strand). VCF-style: chr1-155688077-G-A. GRCh37 (hg19) VCF-style: chr1-155657868-G-A.
Other names: c.-19C>T (NM_001198900.2); c.388C>T, p.Arg130Ter (NM_001198903.1, NM_001198904.1); c.-27C>T (NM_001198905.2); c.172C>T, p.Arg58Ter (NM_001198906.2, NM_139118.3); c.-141C>T (NM_018253.4); c.-21+853C>T (NM_001198901.2); c.-375+853C>T (NM_139121.3); c.-21+582C>T (NM_001198902.2); short protein forms R130*, R58*.
Identifiers: ClinVar variation 1723831 (VCV001723831.2), dbSNP rs1466553299, ClinGen allele CA342771326.

ClinVar aggregate classification (germline): Likely pathogenic (1 of 4 stars; one submission).

Allele frequency attached by ClinVar (database versions not stated): TOPMed 0.00001.
gnomAD v4.1: 10 of 1,584,420 alleles (0.00063%); highest among the groups gnomAD compares: Non-Finnish European, 0.00086%; no homozygotes.

Submission:

GeneDx
Classification: Likely pathogenic. Last evaluated: 2022-11-16. Review status: criteria provided, single submitter. Criteria: GeneDx Variant Classification Process June 2021. Collection method: clinical testing. Allele origin: germline. Affected: yes.
Comment: Nonsense variant predicted to result in protein truncation or nonsense mediated decay in a gene for which loss-of-function is a known mechanism of disease; Not observed at significant frequency in large population cohorts (gnomAD); Has not been previously published as pathogenic or benign to our knowledge